The following is an entry in ClinVar:

NC_000012.11:g.(?_52306239)_(52314697_?)del

Gene: ACVRL1 (activin A receptor like type 1; plus strand). Cytogenetic location: 12q13.13.
Variant type: Deletion.
Identifiers: ClinVar variation 464752 (VCV000464752.1).

ClinVar aggregate classification (germline): Pathogenic (1 of 4 stars; one submission).

Conditions:
Telangiectasia, hereditary hemorrhagic, type 2 (HHT2). Also called: ACVRL1-Related Hereditary Hemorrhagic Telangiectasia; Telangiectasia, hereditary hemorrhagic, type II. Identifiers: Orphanet 774, MedGen C1838163, MONDO:0010880, OMIM 600376. Disease mechanism: loss of function.

Submission:

Labcorp Genetics (formerly Invitae), Labcorp
Classification: Pathogenic for Telangiectasia, hereditary hemorrhagic, type 2. Last evaluated: 2017-01-31. Review status: criteria provided, single submitter. Criteria: Invitae Variant Classification Sherloc (09022015). Collection method: clinical testing. Allele origin: germline.
Comment: A gross deletion of the genomic region encompassing the full coding sequence of the ACVRL1 gene has been identified. The boundaries of this event are unknown as the deletion extends beyond the assayed region for this gene and therefore may encompass additional genes. Loss-of-function variants in ACVRL1 are known to be pathogenic. Whole-gene deletions have been reported in the literature in families with hereditary hemorrhagic telangiectasia (PMID: 18312453). For these reasons, this variant has been classified as Pathogenic.